The following is an entry in ClinVar:

NM_024417.5(FDXR):c.1454T>C (p.Met485Thr)

Gene: FDXR (ferredoxin reductase; minus strand). Cytogenetic location: 17q25.1.
Variant type: single nucleotide variant.
Coding change: c.1454T>C on transcript NM_024417.5 (MANE Select); coding-DNA position 1454, T replaced by C.
Protein change: p.Met485Thr; replaces methionine 485 with threonine.
Molecular consequence: missense variant. On other transcripts: non-coding transcript variant (1).
Genome position (GRCh38, 1-based): chr17:74,862,839, A>G on the plus strand (T>C on the coding strand, the complement: FDXR is on the minus strand). VCF-style: chr17-74862839-A-G. GRCh37 (hg19) VCF-style: chr17-72858961-A-G.
Other names: c.1583T>C, p.Met528Thr (NM_001258012.4); c.1547T>C, p.Met516Thr (NM_001258013.4); c.1430T>C, p.Met477Thr (NM_001258014.4); c.1334T>C, p.Met445Thr (NM_001258015.3); c.1298T>C, p.Met433Thr (NM_001258016.3); c.1472T>C, p.Met491Thr (NM_004110.6); short protein forms M433T, M445T, M477T, M485T, M491T, M516T, M528T.
Identifiers: ClinVar variation 1526076 (VCV001526076.1), dbSNP rs2144639559, ClinGen allele CA400964737.

ClinVar aggregate classification (germline): Uncertain significance (1 of 4 stars; one submission).

Conditions:
Auditory neuropathy-optic atrophy syndrome. Also called: MULTIPLE MITOCHONDRIAL DYSFUNCTIONS SYNDROME 9A; AUDITORY NEUROPATHY AND OPTIC ATROPHY. Identifiers: Orphanet 542585, MedGen C4521678, MONDO:0060582, OMIM 617717.

Allele frequency attached by ClinVar (database versions not stated): gnomAD exomes below 0.00001.
gnomAD v4.1: 1 of 1,612,128 alleles (0.000062%); highest among the groups gnomAD compares: Non-Finnish European, 0.000085%; no homozygotes.

Submission:

3billion
Classification: Uncertain significance for Auditory neuropathy-optic atrophy syndrome. Last evaluated: 2022-03-22. Review status: criteria provided, single submitter. Criteria: ACMG Guidelines, 2015. Collection method: clinical testing. Allele origin: germline. Affected: yes. Observed: 1 heterozygote.
Comment: The variant is not observed in the gnomAD v2.1.1 dataset. In silico tool predictions suggest damaging effect of the variant on gene or gene product (3CNET: 0.81>=0.75). A missense variant is a common mechanism. Therefore, this variant is classified as uncertain significance according to the recommendation of ACMG/AMP guideline.